The following is an entry in ClinVar:

ClinVar aggregate classification (germline): Uncertain significance (1 of 4 stars; one submission).

Conditions:
Osteogenesis imperfecta type I (OI1). Also called: Osteogenesis imperfecta type 1; Lobstein's Disease; OI, TYPE I; OSTEOGENESIS IMPERFECTA TARDA; OSTEOGENESIS IMPERFECTA WITH BLUE SCLERAE; Lobstein disease. Identifiers: Orphanet 216796, Orphanet 666, MedGen C0023931, MONDO:0008146, OMIM 166200. Disease mechanism: loss of function.

Submission:

Labcorp Genetics (formerly Invitae), Labcorp
Classification: Uncertain significance for Osteogenesis imperfecta type I. Last evaluated: 2026-01-27. Review status: criteria provided, single submitter. Criteria: Invitae Variant Classification Sherloc (09022015). Collection method: clinical testing. Allele origin: germline.
Comment: This sequence change replaces glutamic acid, which is acidic and polar, with aspartic acid, which is acidic and polar, at codon 111 of the COL1A1 protein (p.Glu111Asp). This variant also falls at the last nucleotide of exon 3, which is part of the consensus splice site for this exon. This variant is not present in population databases (gnomAD no frequency). This variant has not been reported in the literature in individuals affected with COL1A1-related conditions. Experimental studies and prediction algorithms are not available or were not evaluated, and the functional significance of this variant is currently unknown. Variants that disrupt the consensus splice site are a relatively common cause of aberrant splicing (PMID: 17576681, 9536098). Algorithms developed to predict the effect of sequence changes on RNA splicing suggest that this variant may disrupt the consensus splice site. In summary, the available evidence is currently insufficient to determine the role of this variant in disease. Therefore, it has been classified as a Variant of Uncertain Significance.

Literature cited by the submitters: PubMed 17576681; PubMed 9536098.

NM_000088.4(COL1A1):c.333G>T (p.Glu111Asp)

Gene: COL1A1 (collagen type I alpha 1 chain; minus strand). Cytogenetic location: 17q21.33.
Variant type: single nucleotide variant.
Coding change: c.333G>T on transcript NM_000088.4 (MANE Select); coding-DNA position 333, G replaced by T.
Protein change: p.Glu111Asp; replaces glutamic acid 111 with aspartic acid.
Molecular consequence: missense variant.
Genome position (GRCh38, 1-based): chr17:50,199,556, C>A on the plus strand (G>T on the coding strand, the complement: COL1A1 is on the minus strand). VCF-style: chr17-50199556-C-A. GRCh37 (hg19) VCF-style: chr17-48276917-C-A.
Other names: short protein forms E111D.
Identifiers: ClinVar variation 4736324 (VCV004736324.1).